The following is an entry in ClinVar:

NM_138409.4(MRAP2):c.228-1865A>G

Gene: MRAP2 (melanocortin 2 receptor accessory protein 2; plus strand). Cytogenetic location: 6q14.2.
Variant type: single nucleotide variant.
Coding change: c.228-1865A>G on transcript NM_138409.4 (MANE Select); 1865 bases into the intron before coding-DNA position 228, A replaced by G.
Molecular consequence: intron variant. On other transcripts: missense variant (1).
Genome position (GRCh38, 1-based): chr6:84,087,226, A>G. VCF-style: chr6-84087226-A-G. GRCh37 (hg19) VCF-style: chr6-84796945-A-G.
Other names: c.7A>G, p.Ile3Val (NM_001346543.2); c.228-1865A>G (NM_001346542.2, NM_001346544.2); c.-31-1865A>G (NM_001346541.2); short protein forms I3V.
Identifiers: ClinVar variation 4997179 (VCV004997179.1).
Genomic context (GRCh38, chr6:84,087,226, plus strand): 5'-AGTTTGGTTTTATCCATTTTAGGGAGACATGAGACATCGATCAACATATGTAAGATGAAC[A>G]TTGGTTCAGTCTGGAAAGGCGGGACTACTCGAAGCAGGGAGGGGACTTCCAGGTCGTAAG-3'

ClinVar aggregate classification (germline): Uncertain significance (1 of 4 stars; one submission).

Conditions:
MRAP2-related disorder. Also called: MRAP2-related condition.

gnomAD v4.1: 1 of 152,170 alleles (0.00066%); highest among the groups gnomAD compares: East Asian, 0.019%; no homozygotes.

Submission:

PreventionGenetics, part of Exact Sciences
Classification: Uncertain significance for MRAP2-related condition. Last evaluated: 2025-04-25. Review status: criteria provided, single submitter. Criteria: ACMG Guidelines, 2015. Collection method: clinical testing. Allele origin: germline.
Comment: The MRAP2 c.7A>G variant is predicted to result in the amino acid substitution p.Ile3Val. To our knowledge, this variant has not been reported in the literature. This variant is reported in 0.064% of alleles in individuals of East Asian descent in gnomAD. At this time, the clinical significance of this variant is uncertain due to the absence of conclusive functional and genetic evidence.